The following is an entry in ClinVar:

NM_002439.5(MSH3):c.2344_2347del (p.Ser782fs)

Gene: MSH3 (mutS homolog 3; plus strand). Cytogenetic location: 5q14.1.
Variant type: Deletion.
Coding change: c.2344_2347del on transcript NM_002439.5 (MANE Select); coding-DNA positions 2344 to 2347, 4 bases deleted (TCTC; older notation c.2344_2347delTCTC).
Protein change: p.Ser782fs; shifts the reading frame from serine 782.
Molecular consequence: frameshift variant.
Genome position (GRCh38, 1-based): chr5:80,778,745-80,778,748, TCTC deleted; deleting any 4 consecutive bases within chr5:80,778,744-80,778,748 gives the same sequence; the c. name uses the placement nearest the transcript's 3' end. VCF-style (leftmost placement, unchanged base first): chr5-80778743-ACTCT-A. GRCh37 (hg19) VCF-style: chr5-80074562-ACTCT-A.
Other names: short protein forms S782fs.
Identifiers: ClinVar variation 3398746 (VCV003398746.1).

ClinVar aggregate classification (germline): Pathogenic (1 of 4 stars; one submission).

Conditions:
Hereditary cancer-predisposing syndrome. Also called: Hereditary Cancer Syndrome; Tumor predisposition; Hereditary neoplastic syndrome; Neoplastic Syndromes, Hereditary. Identifiers: Orphanet 140162, MedGen C0027672, MeSH D009386, MONDO:0015356.

Submission:

Ambry Genetics
Classification: Pathogenic for Hereditary cancer-predisposing syndrome. Last evaluated: 2024-11-04. Review status: criteria provided, single submitter. Criteria: Ambry Variant Classification Scheme 2023. Collection method: clinical testing. Allele origin: germline.
Comment: The c.2344_2347delTCTC pathogenic mutation, located in coding exon 17 of the MSH3 gene, results from a deletion of 4 nucleotides at nucleotide positions 2344 to 2347, causing a translational frameshift with a predicted alternate stop codon (p.S782Lfs*4). This variant is considered to be rare based on population cohorts in the Genome Aggregation Database (gnomAD). This alteration is expected to result in loss of function by premature protein truncation or nonsense-mediated mRNA decay. As such, this alteration is interpreted as a disease-causing mutation.